The following is an entry in ClinVar:

NM_001145809.2(MYH14):c.858C>T (p.Gly286=)

Gene: MYH14 (myosin heavy chain 14; plus strand). Cytogenetic location: 19q13.33.
Variant type: single nucleotide variant.
Coding change: c.858C>T on transcript NM_001145809.2 (MANE Select); coding-DNA position 858, C replaced by T.
Protein change: p.Gly286=; no amino-acid change (glycine 286 retained).
Molecular consequence: synonymous variant.
Genome position (GRCh38, 1-based): chr19:50,226,950, C>T. VCF-style: chr19-50226950-C-T. GRCh37 (hg19) VCF-style: chr19-50730207-C-T.
Other names: c.858C>T, p.Gly286= (NM_001077186.2); c.834C>T, p.Gly278= (NM_024729.4).
Identifiers: ClinVar variation 227582 (VCV000227582.4), dbSNP rs376429869, ClinGen allele CA9592429.

ClinVar aggregate classification (germline): Likely benign (1 of 4 stars; one submission).

Allele frequency attached by ClinVar (database versions not stated): gnomAD exomes 0.00002 and 0.00003; ExAC 0.00005; ESP Exome Variant Server 0.00008; TOPMed 0.00009; gnomAD 0.00013 and 0.00014.
gnomAD v4.1: 50 of 1,613,778 alleles (0.0031%); highest among the groups gnomAD compares: African/African-American, 0.033%; no homozygotes.

Submission:

Laboratory for Molecular Medicine, Mass General Brigham Personalized Medicine
Classification: Likely benign. Last evaluated: 2012-04-30. Review status: criteria provided, single submitter. Criteria: LMM Criteria. Collection method: clinical testing. Allele origin: germline. Observed: 1 variant allele.
Comment: Gly286Gly in Exon 08 of MYH14: This variant is not expected to have clinical sig nificance because it does not alter an amino acid residue, is not located within the splice consensus sequence, and has been identified in 1/3738 African Americ an chromosomes from a broad population by the NHLBI Exome Sequencing Project.